The following is an entry in ClinVar:

ClinVar aggregate classification (germline): Uncertain significance (1 of 4 stars; one submission).

Conditions:
Cardiovascular phenotype. Identifiers: MedGen CN230736.

Allele frequency attached by ClinVar (database versions not stated): ExAC 0.00002.

Submission:

Ambry Genetics
Classification: Uncertain significance for Cardiovascular phenotype. Last evaluated: 2023-02-25. Review status: criteria provided, single submitter. Criteria: Ambry Variant Classification Scheme 2023. Collection method: clinical testing. Allele origin: germline.
Comment: The p.S935F variant (also known as c.2804C>T), located in coding exon 16 of the SCN10A gene, results from a C to T substitution at nucleotide position 2804. The serine at codon 935 is replaced by phenylalanine, an amino acid with highly dissimilar properties. This amino acid position is conserved. In addition, this alteration is predicted to be tolerated by in silico analysis. Since supporting evidence is limited at this time, the clinical significance of this alteration remains unclear.

NM_006514.4(SCN10A):c.2804C>T (p.Ser935Phe)

Genes: SCN10A (sodium voltage-gated channel alpha subunit 10; minus strand), LOC110121288 (VISTA enhancer hs2268; plus strand). Cytogenetic location: 3p22.2.
Variant type: single nucleotide variant.
Coding change: c.2804C>T on transcript NM_006514.4 (MANE Select); coding-DNA position 2804, C replaced by T.
Protein change: p.Ser935Phe; replaces serine 935 with phenylalanine.
Molecular consequence: missense variant.
Genome position (GRCh38, 1-based): chr3:38,726,889, G>A on the plus strand (C>T on the coding strand, the complement: SCN10A is on the minus strand). VCF-style: chr3-38726889-G-A. GRCh37 (hg19) VCF-style: chr3-38768380-G-A.
Other names: c.2804C>T, p.Ser935Phe (NM_001293306.2); c.2510C>T, p.Ser837Phe (NM_001293307.2); short protein forms S935F, S837F.
Identifiers: ClinVar variation 2448860 (VCV002448860.2), dbSNP rs748196037, ClinGen allele CA2320430.